The following is an entry in ClinVar:

ClinVar aggregate classification (germline): Uncertain significance. Review status: criteria provided, multiple submitters, no conflicts (2 of 4 stars). 2 submissions from 2 submitters: Uncertain significance (2). Last evaluated 2025-05-05.

Conditions:
Oligodontia-cancer predisposition syndrome. Also called: TOOTH AGENESIS-COLORECTAL CANCER SYNDROME. Identifiers: Orphanet 300576, MedGen C1837750, MONDO:0012075, OMIM 608615. Disease mechanism: loss of function.
Hereditary cancer-predisposing syndrome. Also called: Tumor predisposition; Hereditary neoplastic syndrome; Hereditary Cancer Syndrome; Neoplastic Syndromes, Hereditary. Identifiers: Orphanet 140162, MedGen C0027672, MeSH D009386, MONDO:0015356.

Submissions (2):

Labcorp Genetics (formerly Invitae), Labcorp
Classification: Uncertain significance for Oligodontia-cancer predisposition syndrome. Last evaluated: 2025-05-05. Review status: criteria provided, single submitter. Criteria: Invitae Variant Classification Sherloc (09022015). Collection method: clinical testing. Allele origin: germline.
Comment: This sequence change replaces leucine, which is neutral and non-polar, with phenylalanine, which is neutral and non-polar, at codon 795 of the AXIN2 protein (p.Leu795Phe). This variant is not present in population databases (gnomAD no frequency). This variant has not been reported in the literature in individuals affected with AXIN2-related conditions. ClinVar contains an entry for this variant (Variation ID: 936418). Invitae Evidence Modeling of protein sequence and biophysical properties (such as structural, functional, and spatial information, amino acid conservation, physicochemical variation, residue mobility, and thermodynamic stability) indicates that this missense variant is expected to disrupt AXIN2 protein function with a positive predictive value of 80%. In summary, the available evidence is currently insufficient to determine the role of this variant in disease. Therefore, it has been classified as a Variant of Uncertain Significance.

Ambry Genetics
Classification: Uncertain significance for Hereditary cancer-predisposing syndrome. Last evaluated: 2022-02-05. Review status: criteria provided, single submitter. Criteria: Ambry Variant Classification Scheme 2023. Collection method: clinical testing. Allele origin: germline.
Comment: The p.L795F variant (also known as c.2383C>T), located in coding exon 9 of the AXIN2 gene, results from a C to T substitution at nucleotide position 2383. The leucine at codon 795 is replaced by phenylalanine, an amino acid with highly similar properties. This amino acid position is conserved. In addition, this alteration is predicted to be deleterious by in silico analysis. Since supporting evidence is limited at this time, the clinical significance of this alteration remains unclear.

NM_004655.4(AXIN2):c.2383C>T (p.Leu795Phe)

Gene: AXIN2 (axin 2; minus strand). Cytogenetic location: 17q24.1.
Variant type: single nucleotide variant.
Coding change: c.2383C>T on transcript NM_004655.4 (MANE Select); coding-DNA position 2383, C replaced by T.
Protein change: p.Leu795Phe; replaces leucine 795 with phenylalanine.
Molecular consequence: missense variant.
Genome position (GRCh38, 1-based): chr17:65,533,934, G>A on the plus strand (C>T on the coding strand, the complement: AXIN2 is on the minus strand). VCF-style: chr17-65533934-G-A. GRCh37 (hg19) VCF-style: chr17-63530052-G-A.
Other names: c.2188C>T, p.Leu730Phe (NM_001363813.1); short protein forms L730F, L795F.
Identifiers: ClinVar variation 936418 (VCV000936418.12), dbSNP rs2043865311, ClinGen allele CA400675362.